The following is an entry in ClinVar:

NM_002661.5(PLCG2):c.1622C>T (p.Thr541Met)

Gene: PLCG2 (phospholipase C gamma 2; plus strand). Cytogenetic location: 16q23.3.
Variant type: single nucleotide variant.
Coding change: c.1622C>T on transcript NM_002661.5 (MANE Select); coding-DNA position 1622, C replaced by T.
Protein change: p.Thr541Met; replaces threonine 541 with methionine.
Molecular consequence: missense variant.
Genome position (GRCh38, 1-based): chr16:81,908,480, C>T. VCF-style: chr16-81908480-C-T. GRCh37 (hg19) VCF-style: chr16-81942085-C-T.
Other names: short protein forms T541M.
Identifiers: ClinVar variation 1058987 (VCV001058987.9), dbSNP rs767040629, ClinGen allele CA8193871.

ClinVar aggregate classification (germline): Uncertain significance (1 of 4 stars; one submission).

Conditions:
Familial cold autoinflammatory syndrome 3 (FCAS3). Also called: ANTIBODY DEFICIENCY AND IMMUNE DYSREGULATION, PLCG2-ASSOCIATED; FAMILIAL ATYPICAL COLD URTICARIA. Identifiers: Orphanet 300359, MedGen C3280914, MONDO:0013766, OMIM 614468.

Allele frequency attached by ClinVar (database versions not stated): gnomAD exomes below 0.00001; ExAC 0.00001; gnomAD 0.00001; TOPMed 0.00001.
gnomAD v4.1: 5 of 1,613,884 alleles (0.00031%); highest among the groups gnomAD compares: Non-Finnish European, 0.00042%; no homozygotes.

Submission:

Labcorp Genetics (formerly Invitae), Labcorp
Classification: Uncertain significance for Familial cold autoinflammatory syndrome 3. Last evaluated: 2022-10-05. Review status: criteria provided, single submitter. Criteria: Invitae Variant Classification Sherloc (09022015). Collection method: clinical testing. Allele origin: germline.
Comment: In summary, the available evidence is currently insufficient to determine the role of this variant in disease. Therefore, it has been classified as a Variant of Uncertain Significance. Algorithms developed to predict the effect of missense changes on protein structure and function output the following: SIFT: "Tolerated"; PolyPhen-2: "Benign"; Align-GVGD: "Class C0". The methionine amino acid residue is found in multiple mammalian species, which suggests that this missense change does not adversely affect protein function. ClinVar contains an entry for this variant (Variation ID: 1058987). This variant has not been reported in the literature in individuals affected with PLCG2-related conditions. This variant is present in population databases (rs767040629, gnomAD 0.0009%). This sequence change replaces threonine, which is neutral and polar, with methionine, which is neutral and non-polar, at codon 541 of the PLCG2 protein (p.Thr541Met).